The following is an entry in ClinVar:

ClinVar aggregate classification (germline): Benign (1 of 4 stars; one submission).

Allele frequency attached by ClinVar (database versions not stated): TOPMed 0.22559; gnomAD 0.24256 and 0.25092; 1000 Genomes Project 30x 0.24610; 1000 Genomes Project 0.25180.
gnomAD v4.1: 38,031 of 152,054 alleles (25%); highest among the groups gnomAD compares: South Asian, 46%; 5,434 homozygotes.

Submissions (4):

GeneDx
Classification: Benign. Last evaluated: 2018-06-14. Review status: criteria provided, single submitter. Criteria: GeneDx Variant Classification (06012015). Collection method: clinical testing. Allele origin: germline. Affected: yes.
Comment: This variant is considered likely benign or benign based on one or more of the following criteria: it is a conservative change, it occurs at a poorly conserved position in the protein, it is predicted to be benign by multiple in silico algorithms, and/or has population frequency not consistent with disease.

Dr. Peter K. Rogan Lab, Western University
No classification provided (evidence only). Condition: Lung cancer. Review status: no classification provided. Collection method: in vitro. Allele origin: not applicable. Functional consequence: retained intron. Not counted in ClinVar's aggregate classification.

Dr. Peter K. Rogan Lab, Western University
No classification provided (evidence only). Condition: Cholangiocarcinoma. Review status: no classification provided. Collection method: in vitro. Allele origin: not applicable. Functional consequence: retained intron. Not counted in ClinVar's aggregate classification.

Dr. Peter K. Rogan Lab, Western University
No classification provided (evidence only). Condition: Gastric cancer. Review status: no classification provided. Collection method: in vitro. Allele origin: not applicable. Functional consequence: retained intron. Not counted in ClinVar's aggregate classification.

NM_002180.3(IGHMBP2):c.548-190G>T

Gene: IGHMBP2 (immunoglobulin mu DNA binding protein 2; plus strand). Cytogenetic location: 11q13.3.
Variant type: single nucleotide variant.
Coding change: c.548-190G>T on transcript NM_002180.3 (MANE Select); 190 bases into the intron before coding-DNA position 548, G replaced by T.
Molecular consequence: intron variant.
Genome position (GRCh38, 1-based): chr11:68,911,250, G>T. VCF-style: chr11-68911250-G-T. GRCh37 (hg19) VCF-style: chr11-68678718-G-T.
Other names: NC_000011.9:g.68678718G>T.
Identifiers: ClinVar variation 681878 (VCV000681878.2), dbSNP rs673821, ClinGen allele CA13463168.